The following is an entry in ClinVar:

ClinVar aggregate classification (germline): Uncertain significance. Review status: criteria provided, multiple submitters, no conflicts (2 of 4 stars). 2 submissions from 2 submitters: Uncertain significance (2). Last evaluated 2025-01-08.

Conditions:
Megaconial type congenital muscular dystrophy (MDCMC). Also called: MUSCULAR DYSTROPHY, CONGENITAL, WITH MITOCHONDRIAL STRUCTURAL ABNORMALITIES; CHKB-Related Muscular Dystrophy; CHKB-Related Muscle Diseases. Identifiers: Orphanet 280671, MedGen C1865233, MONDO:0011246, OMIM 602541.
Inborn genetic diseases. Identifiers: MedGen C0950123, MeSH D030342.

Allele frequency attached by ClinVar (database versions not stated): gnomAD exomes 0.00003; ExAC 0.00005; ESP Exome Variant Server 0.00008; gnomAD 0.00010 and 0.00011; TOPMed 0.00016.
gnomAD v4.1: 58 of 1,613,988 alleles (0.0036%); highest among the groups gnomAD compares: African/African-American, 0.041%; no homozygotes.

Submissions (2):

Ambry Genetics
Classification: Uncertain significance for Inborn genetic diseases. Last evaluated: 2025-01-08. Review status: criteria provided, single submitter. Criteria: Ambry Variant Classification Scheme 2023. Collection method: clinical testing. Allele origin: germline.

Labcorp Genetics (formerly Invitae), Labcorp
Classification: Uncertain significance for Megaconial type congenital muscular dystrophy. Last evaluated: 2024-11-11. Review status: criteria provided, single submitter. Criteria: Invitae Variant Classification Sherloc (09022015). Collection method: clinical testing. Allele origin: germline.
Comment: This sequence change replaces glutamic acid, which is acidic and polar, with lysine, which is basic and polar, at codon 336 of the CHKB protein (p.Glu336Lys). The frequency data for this variant in the population databases is considered unreliable, as metrics indicate poor data quality at this position in the gnomAD database. This variant has not been reported in the literature in individuals affected with CHKB-related conditions. ClinVar contains an entry for this variant (Variation ID: 577497). Invitae Evidence Modeling of protein sequence and biophysical properties (such as structural, functional, and spatial information, amino acid conservation, physicochemical variation, residue mobility, and thermodynamic stability) indicates that this missense variant is not expected to disrupt CHKB protein function with a negative predictive value of 80%. Algorithms developed to predict the effect of sequence changes on RNA splicing suggest that this variant may disrupt the consensus splice site. In summary, the available evidence is currently insufficient to determine the role of this variant in disease. Therefore, it has been classified as a Variant of Uncertain Significance.

NM_005198.5(CHKB):c.1006G>A (p.Glu336Lys)

Genes: CHKB (choline kinase beta; minus strand), CHKB-CPT1B (CHKB-CPT1B readthrough (NMD candidate); minus strand). Cytogenetic location: 22q13.33.
Variant type: single nucleotide variant.
Coding change: c.1006G>A on transcript NM_005198.5 (MANE Select); coding-DNA position 1006, G replaced by A.
Protein change: p.Glu336Lys; replaces glutamic acid 336 with lysine.
Molecular consequence: missense variant. On other transcripts: non-coding transcript variant (1).
Genome position (GRCh38, 1-based): chr22:50,579,752, C>T on the plus strand (G>A on the coding strand, the complement: CHKB is on the minus strand). VCF-style: chr22-50579752-C-T. GRCh37 (hg19) VCF-style: chr22-51018181-C-T.
Other names: short protein forms E336K.
Identifiers: ClinVar variation 577497 (VCV000577497.8), dbSNP rs374337406, ClinGen allele CA10323545.